The following is an entry in ClinVar:

ClinVar aggregate classification (germline): Uncertain significance. Review status: criteria provided, single submitter (1 of 4 stars). 2 submissions from 2 submitters: Uncertain significance (1). 1 of the submissions does not count toward it. Last evaluated 2024-06-19.

Conditions:
Polycystic kidney disease, adult type (PKD1). Also called: POLYCYSTIC KIDNEY DISEASE 1 WITH OR WITHOUT POLYCYSTIC LIVER DISEASE; POLYCYSTIC KIDNEY DISEASE, ADULT, TYPE I; Polycystic Kidney Disease 1, Autosomal Dominant; Polycystic kidney disease 1; Polycystic kidney disease 1, severe; Polycystic Kidney, Autosomal Dominant. Identifiers: MedGen C3149841, MONDO:0008263, OMIM 173900.
PKD1-related disorder. Also called: PKD1-related condition.

Allele frequency attached by ClinVar (database versions not stated): gnomAD 0.00005; TOPMed 0.00006.
gnomAD v4.1: 10 of 1,612,480 alleles (0.00062%); highest among the groups gnomAD compares: African/African-American, 0.012%; no homozygotes.

Submissions (2):

Fulgent Genetics
Classification: Uncertain significance for Polycystic kidney disease, adult type. Last evaluated: 2024-06-19. Review status: criteria provided, single submitter. Criteria: ACMG Guidelines, 2015. Collection method: clinical testing. Allele origin: germline.

PreventionGenetics, part of Exact Sciences
Classification: Likely benign for PKD1-related condition. Last evaluated: 2019-11-20. Review status: no assertion criteria provided. Collection method: clinical testing. Allele origin: germline. Not counted in ClinVar's aggregate classification.
Comment: This variant is classified as likely benign based on ACMG/AMP sequence variant interpretation guidelines (Richards et al. 2015 PMID: 25741868, with internal and published modifications).

NM_001009944.3(PKD1):c.4737C>T (p.Arg1579=)

Gene: PKD1 (polycystin 1, transient receptor potential channel interacting; minus strand). Cytogenetic location: 16p13.3.
Variant type: single nucleotide variant.
Coding change: c.4737C>T on transcript NM_001009944.3 (MANE Select); coding-DNA position 4737, C replaced by T.
Protein change: p.Arg1579=; no amino-acid change (arginine 1579 retained).
Molecular consequence: synonymous variant.
Genome position (GRCh38, 1-based): chr16:2,110,430, G>A on the plus strand (C>T on the coding strand, the complement: PKD1 is on the minus strand). VCF-style: chr16-2110430-G-A. GRCh37 (hg19) VCF-style: chr16-2160431-G-A.
Other names: c.4737C>T, p.Arg1579= (NM_000296.4).
Identifiers: ClinVar variation 3045972 (VCV003045972.3), dbSNP rs765027813, ClinGen allele CA7832268.